The following is an entry in ClinVar:

ClinVar aggregate classification (germline): Pathogenic/Likely pathogenic. Review status: criteria provided, multiple submitters, no conflicts (2 of 4 stars). 2 submissions from 2 submitters: Pathogenic (1); Likely pathogenic (1). Last evaluated 2024-01-03.

Conditions:
Pierson syndrome. Also called: MICROCORIA-CONGENITAL NEPHROTIC SYNDROME. Identifiers: Orphanet 2670, MedGen C1836876, MONDO:0012184, OMIM 609049.
LAMB2-related infantile-onset nephrotic syndrome. Also called: Nephrotic Syndrome, type 5; NEPHROTIC SYNDROME, TYPE 5, WITHOUT OCULAR ABNORMALITIES; NEPHROTIC SYNDROME, TYPE 5, WITH OCULAR ABNORMALITIES. Identifiers: Orphanet 306507, MedGen C3280113, MONDO:0013621, OMIM 614199.

gnomAD v4.1: 1 of 1,613,500 alleles (0.000062%); highest among the groups gnomAD compares: Non-Finnish European, 0.000085%; no homozygotes.

Submissions (2):

Fulgent Genetics
Classification: Likely pathogenic for Pierson syndrome; LAMB2-related infantile-onset nephrotic syndrome. Last evaluated: 2024-01-03. Review status: criteria provided, single submitter. Criteria: ACMG Guidelines, 2015. Collection method: clinical testing. Allele origin: germline.

GeneDx
Classification: Pathogenic. Last evaluated: 2022-05-20. Review status: criteria provided, single submitter. Criteria: GeneDx Variant Classification Process June 2021. Collection method: clinical testing. Allele origin: germline. Affected: yes.
Comment: Nonsense variant predicted to result in protein truncation or nonsense mediated decay in a gene for which loss-of-function is a known mechanism of disease; Not observed at a significant frequency in large population cohorts (gnomAD); Has not been previously published as pathogenic or benign to our knowledge

NM_002292.4(LAMB2):c.4822C>T (p.Gln1608Ter)

Gene: LAMB2 (laminin subunit beta 2; minus strand). Cytogenetic location: 3p21.31.
Variant type: single nucleotide variant.
Coding change: c.4822C>T on transcript NM_002292.4 (MANE Select); coding-DNA position 4822, C replaced by T.
Protein change: p.Gln1608Ter; replaces glutamine 1608 with a stop codon.
Molecular consequence: nonsense.
Genome position (GRCh38, 1-based): chr3:49,122,045, G>A on the plus strand (C>T on the coding strand, the complement: LAMB2 is on the minus strand). VCF-style: chr3-49122045-G-A. GRCh37 (hg19) VCF-style: chr3-49159478-G-A.
Other names: short protein forms Q1608*.
Identifiers: ClinVar variation 1686687 (VCV001686687.3), dbSNP rs777742373, ClinGen allele CA2393688.